The following is an entry in ClinVar:

ClinVar aggregate classification (germline): Uncertain significance (1 of 4 stars; one submission).

Submission:

Ambry Genetics
Classification: Uncertain significance. Last evaluated: 2025-02-19. Review status: criteria provided, single submitter. Criteria: Ambry Variant Classification Scheme 2023. Collection method: clinical testing. Allele origin: germline.
Comment: The p.E247A variant (also known as c.740A>C), located in coding exon 6 of the RAD51B gene, results from an A to C substitution at nucleotide position 740. The glutamic acid at codon 247 is replaced by alanine, an amino acid with dissimilar properties. This amino acid position is conserved. In addition, this alteration is predicted to be tolerated by in silico analysis. Based on the available evidence, the clinical significance of this variant remains unclear.

NM_133510.4(RAD51B):c.740A>C (p.Glu247Ala)

Gene: RAD51B (RAD51 paralog B; plus strand). Cytogenetic location: 14q24.1.
Variant type: single nucleotide variant.
Coding change: c.740A>C on transcript NM_133510.4 (MANE Select); coding-DNA position 740, A replaced by C.
Protein change: p.Glu247Ala; replaces glutamic acid 247 with alanine.
Molecular consequence: missense variant.
Genome position (GRCh38, 1-based): chr14:67,887,188, A>C. VCF-style: chr14-67887188-A-C. GRCh37 (hg19) VCF-style: chr14-68353905-A-C.
Other names: c.740A>C, p.Glu247Ala (NM_001321809.2, NM_001321810.2, NM_001321812.1 and 6 more transcripts); c.626A>C, p.Glu209Ala (NM_001321815.1); c.383A>C, p.Glu128Ala (NM_001321817.2); short protein forms E128A, E209A, E247A.
Identifiers: ClinVar variation 3786458 (VCV003786458.1).